The following is an entry in ClinVar:

ClinVar aggregate classification (germline): Benign/Likely benign. Review status: criteria provided, multiple submitters, no conflicts (2 of 4 stars). 6 submissions from 6 submitters: Benign (1); Likely benign (5). Last evaluated 2026-02-01.

Conditions:
SCN10A-related disorder. Also called: SCN10A-related condition.
Cardiovascular phenotype. Identifiers: MedGen CN230736.
Brugada syndrome. Also called: Sudden Unexplained Death Syndrome; Sudden Unexplained Nocturnal Death Syndrome (SUNDS); Sudden unexplained nocturnal death syndrome; Sudden unexpected nocturnal death syndrome. Identifiers: Orphanet 130, MedGen C1142166, MONDO:0015263.

Allele frequency attached by ClinVar (database versions not stated): TOPMed 0.00019; 1000 Genomes Project 30x 0.00031; 1000 Genomes Project 0.00040; ESP Exome Variant Server 0.00008.
gnomAD v4.1: 234 of 1,614,084 alleles (0.014%); highest among the groups gnomAD compares: South Asian, 0.15%; no homozygotes.

Submissions (6):

Labcorp Genetics (formerly Invitae), Labcorp
Classification: Benign for Brugada syndrome. Last evaluated: 2026-02-01. Review status: criteria provided, single submitter. Criteria: Invitae Variant Classification Sherloc (09022015). Collection method: clinical testing. Allele origin: germline.

PreventionGenetics, part of Exact Sciences
Classification: Likely benign for SCN10A-related condition. Last evaluated: 2026-01-01. Review status: criteria provided, single submitter. Criteria: ACMG Guidelines, 2015. Collection method: clinical testing. Allele origin: germline.
Comment: This variant is classified as likely benign based on ACMG/AMP sequence variant interpretation guidelines (Richards et al. 2015 PMID: 25741868, with internal and published modifications).

Blueprint Genetics
Classification: Likely benign. Last evaluated: 2024-09-03. Review status: criteria provided, single submitter. Criteria: ACMG Guidelines, 2015. Collection method: clinical testing. Allele origin: germline.

CeGaT Center for Human Genetics Tuebingen
Classification: Likely benign. Last evaluated: 2024-02-01. Review status: criteria provided, single submitter. Criteria: CeGaT Center For Human Genetics Tuebingen Variant Classification Criteria Version 2. Collection method: clinical testing. Allele origin: germline. Affected: yes. Observed: 2 variant alleles.
Comment: SCN10A: BP4, BS1

GeneDx
Classification: Likely benign. Last evaluated: 2020-09-17. Review status: criteria provided, single submitter. Criteria: GeneDx Variant Classification Process June 2021. Collection method: clinical testing. Allele origin: germline. Affected: yes.

Ambry Genetics
Classification: Likely benign for Cardiovascular phenotype. Last evaluated: 2020-02-03. Review status: criteria provided, single submitter. Criteria: Ambry Variant Classification Scheme 2023. Collection method: clinical testing. Allele origin: germline.

NM_006514.4(SCN10A):c.1291-4G>A

Gene: SCN10A (sodium voltage-gated channel alpha subunit 10; minus strand). Cytogenetic location: 3p22.2.
Variant type: single nucleotide variant.
Coding change: c.1291-4G>A on transcript NM_006514.4 (MANE Select); 4 bases into the intron before coding-DNA position 1291, G replaced by A.
Molecular consequence: intron variant.
Genome position (GRCh38, 1-based): chr3:38,755,962, C>T on the plus strand (G>A on the coding strand, the complement: SCN10A is on the minus strand). VCF-style: chr3-38755962-C-T. GRCh37 (hg19) VCF-style: chr3-38797453-C-T.
Other names: c.1291-4G>A (NM_001293307.2, NM_001293306.2).
Identifiers: ClinVar variation 391148 (VCV000391148.44), dbSNP rs376077984, ClinGen allele CA2320894.